The following is an entry in ClinVar:

NM_005585.5(SMAD6):c.8G>A (p.Arg3Lys)

Gene: SMAD6 (SMAD family member 6; plus strand). Cytogenetic location: 15q22.31.
Variant type: single nucleotide variant.
Coding change: c.8G>A on transcript NM_005585.5 (MANE Select); coding-DNA position 8, G replaced by A.
Protein change: p.Arg3Lys; replaces arginine 3 with lysine.
Molecular consequence: missense variant. On other transcripts: non-coding transcript variant (1).
Genome position (GRCh38, 1-based): chr15:66,703,266, G>A. VCF-style: chr15-66703266-G-A. GRCh37 (hg19) VCF-style: chr15-66995604-G-A.
Other names: short protein forms R3K.
Identifiers: ClinVar variation 1047455 (VCV001047455.11), dbSNP rs1337502697, ClinGen allele CA392948238.

ClinVar aggregate classification (germline): Uncertain significance. Review status: criteria provided, multiple submitters, no conflicts (2 of 4 stars). 2 submissions from 2 submitters: Uncertain significance (2). Last evaluated 2025-12-16.

Conditions:
Inborn genetic diseases. Identifiers: MedGen C0950123, MeSH D030342.
Aortic valve disease 2 (AOVD2). Identifiers: MedGen C3542024, MONDO:0013902, OMIM 614823.

Allele frequency attached by ClinVar (database versions not stated): gnomAD 0.00001; TOPMed 0.00001.
gnomAD v4.1: 15 of 1,477,430 alleles (0.001%); highest among the groups gnomAD compares: Non-Finnish European, 0.0013%; no homozygotes.

Submissions (2):

Labcorp Genetics (formerly Invitae), Labcorp
Classification: Uncertain significance for Aortic valve disease 2. Last evaluated: 2025-12-16. Review status: criteria provided, single submitter. Criteria: Invitae Variant Classification Sherloc (09022015). Collection method: clinical testing. Allele origin: germline.
Comment: This sequence change replaces arginine, which is basic and polar, with lysine, which is basic and polar, at codon 3 of the SMAD6 protein (p.Arg3Lys). This variant is present in population databases (no rsID available, gnomAD 0.007%). This variant has not been reported in the literature in individuals affected with SMAD6-related conditions. ClinVar contains an entry for this variant (Variation ID: 1047455). An algorithm developed to predict the effect of missense changes on protein structure and function (PolyPhen-2) suggests that this variant is likely to be tolerated. In summary, the available evidence is currently insufficient to determine the role of this variant in disease. Therefore, it has been classified as a Variant of Uncertain Significance.

Ambry Genetics
Classification: Uncertain significance for Inborn genetic diseases. Last evaluated: 2025-01-23. Review status: criteria provided, single submitter. Criteria: Ambry Variant Classification Scheme 2023. Collection method: clinical testing. Allele origin: germline.